The following is an entry in ClinVar:

ClinVar aggregate classification (germline): Uncertain significance (1 of 4 stars; one submission).

Conditions:
Neuromuscular disease caused by qualitative or quantitative defects of dysferlin. Also called: Qualitative or quantitative defects of dysferlin; Dysferlinopathy. Identifiers: Orphanet 207073, MedGen C2931687, MONDO:0016145.

Allele frequency attached by ClinVar (database versions not stated): gnomAD exomes below 0.00001; TOPMed below 0.00001; ExAC 0.00001.
gnomAD v4.1: 1 of 1,614,116 alleles (0.000062%); highest among the groups gnomAD compares: Admixed American, 0.0017%; no homozygotes.

Submission:

Labcorp Genetics (formerly Invitae), Labcorp
Classification: Uncertain significance for Neuromuscular disease caused by qualitative or quantitative defects of dysferlin. Last evaluated: 2022-02-05. Review status: criteria provided, single submitter. Criteria: Invitae Variant Classification Sherloc (09022015). Collection method: clinical testing. Allele origin: germline.
Comment: This sequence change replaces glycine, which is neutral and non-polar, with serine, which is neutral and polar, at codon 1744 of the DYSF protein (p.Gly1744Ser). This variant is present in population databases (rs759748127, gnomAD 0.003%). This variant has not been reported in the literature in individuals affected with DYSF-related conditions. Advanced modeling of protein sequence and biophysical properties (such as structural, functional, and spatial information, amino acid conservation, physicochemical variation, residue mobility, and thermodynamic stability) performed at Invitae indicates that this missense variant is expected to disrupt DYSF protein function. In summary, the available evidence is currently insufficient to determine the role of this variant in disease. Therefore, it has been classified as a Variant of Uncertain Significance.

NM_001130987.2(DYSF):c.5347G>A (p.Gly1783Ser)

Gene: DYSF (dysferlin; plus strand). Cytogenetic location: 2p13.2.
Variant type: single nucleotide variant.
Coding change: c.5347G>A on transcript NM_001130987.2 (MANE Select); coding-DNA position 5347, G replaced by A.
Protein change: p.Gly1783Ser; replaces glycine 1783 with serine.
Molecular consequence: missense variant.
Genome position (GRCh38, 1-based): chr2:71,667,405, G>A. VCF-style: chr2-71667405-G-A. GRCh37 (hg19) VCF-style: chr2-71894535-G-A.
Other names: c.5233G>A, p.Gly1745Ser (NM_001130455.2); c.5188G>A, p.Gly1730Ser (NM_001130976.2); c.5251G>A, p.Gly1751Ser (NM_001130977.2); c.5293G>A, p.Gly1765Ser (NM_001130978.2); c.5323G>A, p.Gly1775Ser (NM_001130979.2); c.5281G>A, p.Gly1761Ser (NM_001130980.2); c.5344G>A, p.Gly1782Ser (NM_001130981.2); c.5326G>A, p.Gly1776Ser (NM_001130982.2); and 5 more; short protein forms G1744S, G1766S, G1782S, G1783S, G1751S, G1752S, G1745S, G1761S.
Identifiers: ClinVar variation 1394884 (VCV001394884.8), dbSNP rs759748127, ClinGen allele CA1707340.